The following is an entry in ClinVar:

ClinVar aggregate classification (germline): Uncertain significance (1 of 4 stars; one submission).

Conditions:
Inborn genetic diseases. Identifiers: MedGen C0950123, MeSH D030342.

Submission:

Ambry Genetics
Classification: Uncertain significance for Inborn genetic diseases. Last evaluated: 2025-11-04. Review status: criteria provided, single submitter. Criteria: Ambry Variant Classification Scheme 2023. Collection method: clinical testing. Allele origin: germline.
Comment: The p.Q185P variant (also known as c.554A>C), located in coding exon 6 of the RTEL1 gene, results from an A to C substitution at nucleotide position 554. The glutamine at codon 185 is replaced by proline, an amino acid with similar properties. This amino acid position is conserved. In addition, this alteration is predicted to be tolerated by in silico analysis. Based on the available evidence, the clinical significance of this variant remains unclear.

NM_001283009.2(RTEL1):c.554A>C (p.Gln185Pro)

Genes: RTEL1 (regulator of telomere elongation helicase 1; plus strand), RTEL1-TNFRSF6B (RTEL1-TNFRSF6B readthrough (NMD candidate); plus strand). Cytogenetic location: 20q13.33.
Variant type: single nucleotide variant.
Coding change: c.554A>C on transcript NM_001283009.2 (MANE Select); coding-DNA position 554, A replaced by C.
Protein change: p.Gln185Pro; replaces glutamine 185 with proline.
Molecular consequence: missense variant. On other transcripts: non-coding transcript variant (1), 5 prime UTR variant (1).
Genome position (GRCh38, 1-based): chr20:63,666,019, A>C. VCF-style: chr20-63666019-A-C. GRCh37 (hg19) VCF-style: chr20-62297372-A-C.
Other names: c.-116A>C (NM_001283010.1); c.554A>C, p.Gln185Pro (NM_016434.4); c.626A>C, p.Gln209Pro (NM_032957.5); short protein forms Q185P, Q209P.
Identifiers: ClinVar variation 4629587 (VCV004629587.1).